The following is an entry in ClinVar:

NM_001173464.2(KIF21A):c.672T>C (p.Ser224=)

Gene: KIF21A (kinesin family member 21A; minus strand). Cytogenetic location: 12q12.
Variant type: single nucleotide variant.
Coding change: c.672T>C on transcript NM_001173464.2 (MANE Select); coding-DNA position 672, T replaced by C.
Protein change: p.Ser224=; no amino-acid change (serine 224 retained).
Molecular consequence: synonymous variant.
Genome position (GRCh38, 1-based): chr12:39,367,093, A>G on the plus strand (T>C on the coding strand, the complement: KIF21A is on the minus strand). VCF-style: chr12-39367093-A-G. GRCh37 (hg19) VCF-style: chr12-39760895-A-G.
Other names: c.672T>C, p.Ser224= (NM_001173463.2, NM_001173465.2, NM_001378439.1 and 3 more transcripts).
Identifiers: ClinVar variation 5041435 (VCV005041435.1).

ClinVar aggregate classification (germline): Likely benign (1 of 4 stars; one submission).

gnomAD v4.1: 13 of 1,613,690 alleles (0.00081%); highest among the groups gnomAD compares: Non-Finnish European, 0.001%; no homozygotes.

Submission:

CeGaT Center for Human Genetics Tuebingen
Classification: Likely benign. Last evaluated: 2026-09-01. Review status: criteria provided, single submitter. Criteria: CeGaT Center For Human Genetics Tuebingen Variant Classification Criteria Version 2. Collection method: clinical testing. Allele origin: germline. Affected: yes. Observed: 1 variant allele.
Comment: KIF21A: BP4, BP7